The following is an entry in ClinVar:

ClinVar aggregate classification (germline): Uncertain significance (1 of 4 stars; one submission).

Submission:

Labcorp Genetics (formerly Invitae), Labcorp
Classification: Uncertain significance. Last evaluated: 2025-09-16. Review status: criteria provided, single submitter. Criteria: Invitae Variant Classification Sherloc (09022015). Collection method: clinical testing. Allele origin: germline.
Comment: This sequence change replaces alanine, which is neutral and non-polar, with valine, which is neutral and non-polar, at codon 100 of the ESR2 protein (p.Ala100Val). This variant is present in population databases (rs769639263, gnomAD 0.03%). This variant has not been reported in the literature in individuals affected with ESR2-related conditions. Invitae Evidence Modeling of protein sequence and biophysical properties (such as structural, functional, and spatial information, amino acid conservation, physicochemical variation, residue mobility, and thermodynamic stability) indicates that this missense variant is not expected to disrupt ESR2 protein function with a negative predictive value of 80%. In summary, the available evidence is currently insufficient to determine the role of this variant in disease. Therefore, it has been classified as a Variant of Uncertain Significance.

NM_001437.3(ESR2):c.299C>T (p.Ala100Val)

Gene: ESR2 (estrogen receptor 2; minus strand). Cytogenetic location: 14q23.2.
Variant type: single nucleotide variant.
Coding change: c.299C>T on transcript NM_001437.3 (MANE Select); coding-DNA position 299, C replaced by T.
Protein change: p.Ala100Val; replaces alanine 100 with valine.
Molecular consequence: missense variant. On other transcripts: non-coding transcript variant (2).
Genome position (GRCh38, 1-based): chr14:64,282,687, G>A on the plus strand (C>T on the coding strand, the complement: ESR2 is on the minus strand). VCF-style: chr14-64282687-G-A. GRCh37 (hg19) VCF-style: chr14-64749405-G-A.
Other names: c.299C>T, p.Ala100Val (NM_001040275.1, NM_001214902.1, NM_001271876.1 and 3 more transcripts); short protein forms A100V.
Identifiers: ClinVar variation 4749981 (VCV004749981.1).